The following is an entry in ClinVar:

ClinVar aggregate classification (germline): Conflicting classifications of pathogenicity. Review status: criteria provided, conflicting classifications (1 of 4 stars). 2 submissions from 2 submitters: Uncertain significance (1); Benign (1). Last evaluated 2022-09-14.

Conditions:
Adams-Oliver syndrome 5 (AOS5). Identifiers: Orphanet 974, MedGen C4014970, MONDO:0014459, OMIM 616028.
Familial thoracic aortic aneurysm and aortic dissection (TAAD). Also called: Thoracic aortic aneurysms and dissections. Identifiers: Orphanet 91387, MedGen C4707243, MONDO:0019625.

Allele frequency attached by ClinVar (database versions not stated): gnomAD 0.00001; gnomAD exomes 0.00001 and 0.00003; TOPMed 0.00002; ExAC 0.00006; 1000 Genomes Project 30x 0.00016.
gnomAD v4.1: 16 of 1,609,852 alleles (0.00099%); highest among the groups gnomAD compares: Admixed American, 0.01%; no homozygotes.

Submissions (2):

Labcorp Genetics (formerly Invitae), Labcorp
Classification: Benign for Adams-Oliver syndrome 5. Last evaluated: 2022-09-14. Review status: criteria provided, single submitter. Criteria: Invitae Variant Classification Sherloc (09022015). Collection method: clinical testing. Allele origin: germline.

Ambry Genetics
Classification: Uncertain significance for Familial thoracic aortic aneurysm and aortic dissection. Last evaluated: 2016-07-18. Review status: criteria provided, single submitter. Criteria: Ambry Variant Classification Scheme 2023. Collection method: clinical testing. Allele origin: germline.
Comment: The p.R703C variant (also known as c.2107C>T), located in coding exon 13 of the NOTCH1 gene, results from a C to T substitution at nucleotide position 2107. The arginine at codon 703 is replaced by cysteine, an amino acid with highly dissimilar properties. This variant was not reported in population based cohorts in the following databases: Database of Single Nucleotide Polymorphisms (dbSNP), NHLBI Exome Sequencing Project (ESP), and 1000 Genomes Project. In the ESP, this variant was not observed in 6356 samples (12712 alleles) with coverage at this position. Based on data from ExAC, the T allele has an overall frequency of <0.01% (5/78650). This amino acid position is poorly conserved in available vertebrate species. In addition, the in silico prediction for this alteration is inconclusive. Since supporting evidence is limited at this time, the clinical significance of this variant remains unclear.

NM_017617.5(NOTCH1):c.2107C>T (p.Arg703Cys)

Gene: NOTCH1 (notch receptor 1; minus strand). Cytogenetic location: 9q34.3.
Variant type: single nucleotide variant.
Coding change: c.2107C>T on transcript NM_017617.5 (MANE Select); coding-DNA position 2107, C replaced by T.
Protein change: p.Arg703Cys; replaces arginine 703 with cysteine.
Molecular consequence: missense variant.
Genome position (GRCh38, 1-based): chr9:136,514,610, G>A on the plus strand (C>T on the coding strand, the complement: NOTCH1 is on the minus strand). VCF-style: chr9-136514610-G-A. GRCh37 (hg19) VCF-style: chr9-139409062-G-A.
Other names: c.2107C>T, p.Arg703Cys (LRG_1122t1); short protein forms R703C.
Identifiers: ClinVar variation 520050 (VCV000520050.10), dbSNP rs746213819, ClinGen allele CA5341482.